The following is an entry in ClinVar:

ClinVar aggregate classification (germline): Uncertain significance. Review status: criteria provided, multiple submitters, no conflicts (2 of 4 stars). 2 submissions from 2 submitters: Uncertain significance (2). Last evaluated 2025-06-08.

Conditions:
Inborn genetic diseases. Identifiers: MedGen C0950123, MeSH D030342.

Allele frequency attached by ClinVar (database versions not stated): gnomAD 0.00001; TOPMed 0.00001.
gnomAD v4.1: 1 of 1,209,025 alleles (0.000083%); highest among the groups gnomAD compares: African/African-American, 0.0018%; no homozygotes.

Submissions (2):

GeneDx
Classification: Uncertain significance. Last evaluated: 2025-06-08. Review status: criteria provided, single submitter. Criteria: GeneDx Variant Classification Process June 2021. Collection method: clinical testing. Allele origin: germline. Affected: yes.
Comment: Not observed at significant frequency in large population cohorts (gnomAD); In silico analysis suggests that this missense variant does not alter protein structure/function; Has not been previously published as pathogenic or benign to our knowledge

Ambry Genetics
Classification: Uncertain significance for Inborn genetic diseases. Last evaluated: 2016-10-06. Review status: criteria provided, single submitter. Criteria: Ambry Variant Classification Scheme 2023. Collection method: clinical testing. Allele origin: germline.
Comment: The p.H165Y variant (also known as c.493C>T), located in coding exon 4 of the HUWE1 gene, results from a C to T substitution at nucleotide position 493. The histidine at codon 165 is replaced by tyrosine, an amino acid with similar properties. This amino acid position is highly conserved in available vertebrate species. In addition, the in silico prediction for this alteration is inconclusive. Since supporting evidence is limited at this time, the clinical significance of this variant remains unclear.

NM_031407.7(HUWE1):c.493C>T (p.His165Tyr)

Gene: HUWE1 (HECT, UBA and WWE domain containing E3 ubiquitin protein ligase 1; minus strand). Cytogenetic location: Xp11.22.
Variant type: single nucleotide variant.
Coding change: c.493C>T on transcript NM_031407.7 (MANE Select); coding-DNA position 493, C replaced by T.
Protein change: p.His165Tyr; replaces histidine 165 with tyrosine.
Molecular consequence: missense variant.
Genome position (GRCh38, 1-based): chrX:53,645,322, G>A on the plus strand (C>T on the coding strand, the complement: HUWE1 is on the minus strand). VCF-style: chrX-53645322-G-A. GRCh37 (hg19) VCF-style: chrX-53672274-G-A.
Other names: short protein forms H165Y.
Identifiers: ClinVar variation 1744258 (VCV001744258.3), dbSNP rs950396603, ClinGen allele CA329196197.